The following is an entry in ClinVar:

ClinVar aggregate classification (germline): Uncertain significance (1 of 4 stars; one submission).

Conditions:
Familial adenomatous polyposis 1 (FAP1). Also called: FAMILIAL ADENOMATOUS POLYPOSIS 1, ATTENUATED; POLYPOSIS, ADENOMATOUS INTESTINAL. Identifiers: MedGen C2713442, MONDO:0021056, OMIM 175100. Disease mechanism: loss of function.

Submission:

Labcorp Genetics (formerly Invitae), Labcorp
Classification: Uncertain significance for Familial adenomatous polyposis 1. Last evaluated: 2022-10-13. Review status: criteria provided, single submitter. Criteria: Invitae Variant Classification Sherloc (09022015). Collection method: clinical testing. Allele origin: germline.
Comment: In summary, the available evidence is currently insufficient to determine the role of this variant in disease. Therefore, it has been classified as a Variant of Uncertain Significance. Advanced modeling of protein sequence and biophysical properties (such as structural, functional, and spatial information, amino acid conservation, physicochemical variation, residue mobility, and thermodynamic stability) performed at Invitae indicates that this missense variant is not expected to disrupt APC protein function. This variant has not been reported in the literature in individuals affected with APC-related conditions. This variant is not present in population databases (gnomAD no frequency). This sequence change replaces threonine, which is neutral and polar, with isoleucine, which is neutral and non-polar, at codon 2776 of the APC protein (p.Thr2776Ile).

NM_000038.6(APC):c.8327C>T (p.Thr2776Ile)

Gene: APC (APC regulator of Wnt signaling pathway; plus strand). Cytogenetic location: 5q22.2.
Variant type: single nucleotide variant.
Coding change: c.8327C>T on transcript NM_000038.6 (MANE Select); coding-DNA position 8327, C replaced by T.
Protein change: p.Thr2776Ile; replaces threonine 2776 with isoleucine.
Molecular consequence: missense variant.
Genome position (GRCh38, 1-based): chr5:112,843,921, C>T. VCF-style: chr5-112843921-C-T. GRCh37 (hg19) VCF-style: chr5-112179618-C-T.
Other names: c.8327C>T, p.Thr2776Ile (NM_001127510.3, NM_001354895.2, NM_001407450.1); c.8273C>T, p.Thr2758Ile (NM_001127511.3); c.8381C>T, p.Thr2794Ile (NM_001354896.2, NM_001407447.1, NM_001407448.1 and 1 more transcripts); c.8357C>T, p.Thr2786Ile (NM_001354897.2); c.8252C>T, p.Thr2751Ile (NM_001354898.2); c.8243C>T, p.Thr2748Ile (NM_001354899.2); c.8204C>T, p.Thr2735Ile (NM_001354900.2); c.8150C>T, p.Thr2717Ile (NM_001354901.2, NM_001407453.1); and 11 more; short protein forms T2392I, T2493I, T2616I, T2647I, T2650I, T2675I, T2685I, T2693I.
Identifiers: ClinVar variation 1721587 (VCV001721587.6), dbSNP rs2150003318, ClinGen allele CA16039403.